The following is an entry in ClinVar:

NM_020778.5(ALPK3):c.1244dup (p.Leu415fs)

Gene: ALPK3 (alpha kinase 3; plus strand). Cytogenetic location: 15q25.3.
Variant type: Duplication.
Coding change: c.1244dup on transcript NM_020778.5 (MANE Select); coding-DNA position 1244, one base duplicated (T; older notation c.1244dupT).
Protein change: p.Leu415fs; shifts the reading frame from leucine 415.
Molecular consequence: frameshift variant.
Genome position (GRCh38, 1-based): chr15:84,840,523, T duplicated; the last of 2 consecutive T bases (chr15:84,840,522-84,840,523); duplicating either gives the same sequence. VCF-style (leftmost placement, unchanged base first): chr15-84840521-C-CT. GRCh37 (hg19) VCF-style: chr15-85383752-C-CT.
Other names: short protein forms L415fs.
Identifiers: ClinVar variation 4844747 (VCV004844747.1).

ClinVar aggregate classification (germline): Pathogenic (1 of 4 stars; one submission).

Conditions:
Cardiovascular phenotype. Identifiers: MedGen CN230736.

Submission:

Ambry Genetics
Classification: Pathogenic for Cardiovascular phenotype. Last evaluated: 2026-02-06. Review status: criteria provided, single submitter. Criteria: Ambry Variant Classification Scheme 2023. Collection method: clinical testing. Allele origin: germline.
Comment: The c.1850dupT pathogenic mutation, located in coding exon 5 of the ALPK3 gene, results from a duplication of T at nucleotide position 1850, causing a translational frameshift with a predicted alternate stop codon (p.L617Ffs*41). This variant is considered to be rare based on population cohorts in the Genome Aggregation Database (gnomAD). This alteration is expected to result in loss of function by premature protein truncation or nonsense-mediated mRNA decay. As such, this alteration is interpreted as a disease-causing mutation.